The following is an entry in ClinVar:

NM_032447.5(FBN3):c.8227C>T (p.Arg2743Cys)

Gene: FBN3 (fibrillin 3; minus strand). Cytogenetic location: 19p13.2.
Variant type: single nucleotide variant.
Coding change: c.8227C>T on transcript NM_032447.5 (MANE Select); coding-DNA position 8227, C replaced by T.
Protein change: p.Arg2743Cys; replaces arginine 2743 with cysteine.
Molecular consequence: missense variant.
Genome position (GRCh38, 1-based): chr19:8,066,122, G>A on the plus strand (C>T on the coding strand, the complement: FBN3 is on the minus strand). VCF-style: chr19-8066122-G-A. GRCh37 (hg19) VCF-style: chr19-8131006-G-A.
Other names: c.8227C>T, p.Arg2743Cys (NM_001321431.2); short protein forms R2743C.
Identifiers: ClinVar variation 2414760 (VCV002414760.6), dbSNP rs1294126203, ClinGen allele CA403693057.

ClinVar aggregate classification (germline): Uncertain significance (1 of 4 stars; one submission).

Allele frequency attached by ClinVar (database versions not stated): gnomAD exomes 0.00001; TOPMed 0.00001.
gnomAD v4.1: 12 of 1,613,548 alleles (0.00074%); highest among the groups gnomAD compares: Admixed American, 0.0033%; no homozygotes.

Submission:

Labcorp Genetics (formerly Invitae), Labcorp
Classification: Uncertain significance. Last evaluated: 2022-08-10. Review status: criteria provided, single submitter. Criteria: Invitae Variant Classification Sherloc (09022015). Collection method: clinical testing. Allele origin: germline.
Comment: In summary, the available evidence is currently insufficient to determine the role of this variant in disease. Therefore, it has been classified as a Variant of Uncertain Significance. Algorithms developed to predict the effect of missense changes on protein structure and function are either unavailable or do not agree on the potential impact of this missense change (SIFT: "Not Available"; PolyPhen-2: "Possibly Damaging"; Align-GVGD: "Not Available"). This variant has not been reported in the literature in individuals affected with FBN3-related conditions. This variant is present in population databases (no rsID available, gnomAD 0.003%). This sequence change replaces arginine, which is basic and polar, with cysteine, which is neutral and slightly polar, at codon 2743 of the FBN3 protein (p.Arg2743Cys).